The following is an entry in ClinVar:

ClinVar aggregate classification (germline): Uncertain significance (1 of 4 stars; one submission).

Allele frequency attached by ClinVar (database versions not stated): TOPMed below 0.00001; gnomAD exomes 0.00001.
gnomAD v4.1: 11 of 1,613,870 alleles (0.00068%); highest among the groups gnomAD compares: Non-Finnish European, 0.00093%; no homozygotes.

Submission:

Labcorp Genetics (formerly Invitae), Labcorp
Classification: Uncertain significance. Last evaluated: 2022-08-01. Review status: criteria provided, single submitter. Criteria: Invitae Variant Classification Sherloc (09022015). Collection method: clinical testing. Allele origin: germline.
Comment: In summary, the available evidence is currently insufficient to determine the role of this variant in disease. Therefore, it has been classified as a Variant of Uncertain Significance. Algorithms developed to predict the effect of missense changes on protein structure and function (SIFT, PolyPhen-2, Align-GVGD) all suggest that this variant is likely to be tolerated. This variant has not been reported in the literature in individuals affected with EXTL3-related conditions. This variant is not present in population databases (gnomAD no frequency). This sequence change replaces isoleucine, which is neutral and non-polar, with valine, which is neutral and non-polar, at codon 121 of the EXTL3 protein (p.Ile121Val).

NM_001440.4(EXTL3):c.361A>G (p.Ile121Val)

Gene: EXTL3 (exostosin like glycosyltransferase 3; plus strand). Cytogenetic location: 8p21.1.
Variant type: single nucleotide variant.
Coding change: c.361A>G on transcript NM_001440.4 (MANE Select); coding-DNA position 361, A replaced by G.
Protein change: p.Ile121Val; replaces isoleucine 121 with valine.
Molecular consequence: missense variant.
Genome position (GRCh38, 1-based): chr8:28,716,420, A>G. VCF-style: chr8-28716420-A-G. GRCh37 (hg19) VCF-style: chr8-28573937-A-G.
Other names: short protein forms I121V.
Identifiers: ClinVar variation 1714769 (VCV001714769.3), dbSNP rs1801148251, ClinGen allele CA370854140.